The following is an entry in ClinVar:

NM_001098484.3(SLC4A4):c.1208+4A>C

Gene: SLC4A4 (solute carrier family 4 member 4; plus strand). Cytogenetic location: 4q13.3.
Variant type: single nucleotide variant.
Coding change: c.1208+4A>C on transcript NM_001098484.3 (MANE Select); 4 bases into the intron after coding-DNA position 1208, A replaced by C.
Molecular consequence: intron variant.
Genome position (GRCh38, 1-based): chr4:71,450,547, A>C. VCF-style: chr4-71450547-A-C. GRCh37 (hg19) VCF-style: chr4-72316264-A-C.
Other names: c.1208+4A>C (NM_001134742.2); c.1076+4A>C (NM_003759.4).
Identifiers: ClinVar variation 2185145 (VCV002185145.5), dbSNP rs747588886, ClinGen allele CA2954753.

ClinVar aggregate classification (germline): Uncertain significance. Review status: criteria provided, multiple submitters, no conflicts (2 of 4 stars). 2 submissions from 2 submitters: Uncertain significance (2). Last evaluated 2025-08-17.

Conditions:
Autosomal recessive proximal renal tubular acidosis (PRTAO). Also called: RENAL TUBULAR ACIDOSIS, PROXIMAL, WITH OCULAR ABNORMALITIES AND MENTAL RETARDATION; RTA, PROXIMAL, AUTOSOMAL RECESSIVE; RENAL TUBULAR ACIDOSIS, PROXIMAL, WITH OCULAR ABNORMALITIES AND IMPAIRED INTELLECTUAL DEVELOPMENT; PROXIMAL RENAL TUBULAR ACIDOSIS-OCULAR ANOMALY SYNDROME. Identifiers: Orphanet 93607, MedGen C1970309, MONDO:0011422, OMIM 604278.

Allele frequency attached by ClinVar (database versions not stated): ExAC 0.00001; gnomAD 0.00004.
gnomAD v4.1: 77 of 1,612,716 alleles (0.0048%); highest among the groups gnomAD compares: Admixed American, 0.01%; no homozygotes.

Submissions (2):

Labcorp Genetics (formerly Invitae), Labcorp
Classification: Uncertain significance. Last evaluated: 2025-08-17. Review status: criteria provided, single submitter. Criteria: Invitae Variant Classification Sherloc (09022015). Collection method: clinical testing. Allele origin: germline.
Comment: This sequence change falls in intron 7 of the SLC4A4 gene. It does not directly change the encoded amino acid sequence of the SLC4A4 protein. It affects a nucleotide within the consensus splice site. This variant is present in population databases (rs747588886, gnomAD 0.01%). This variant has not been reported in the literature in individuals affected with SLC4A4-related conditions. ClinVar contains an entry for this variant (Variation ID: 2185145). Variants that disrupt the consensus splice site are a relatively common cause of aberrant splicing (PMID: 17576681, 9536098). Algorithms developed to predict the effect of sequence changes on RNA splicing suggest that this variant is not likely to affect RNA splicing. In summary, the available evidence is currently insufficient to determine the role of this variant in disease. Therefore, it has been classified as a Variant of Uncertain Significance.

Fulgent Genetics
Classification: Uncertain significance for Autosomal recessive proximal renal tubular acidosis. Last evaluated: 2024-05-09. Review status: criteria provided, single submitter. Criteria: ACMG Guidelines, 2015. Collection method: clinical testing. Allele origin: germline.

Literature cited by the submitters: PubMed 17576681 (cited by Labcorp Genetics (formerly Invitae), Labcorp); PubMed 9536098 (cited by Labcorp Genetics (formerly Invitae), Labcorp).